The following is an entry in ClinVar:

ClinVar aggregate classification (germline): Uncertain significance (1 of 4 stars; one submission).

Conditions:
Hereditary cancer-predisposing syndrome. Also called: Neoplastic Syndromes, Hereditary; Tumor predisposition; Hereditary Cancer Syndrome; Hereditary neoplastic syndrome. Identifiers: Orphanet 140162, MedGen C0027672, MeSH D009386, MONDO:0015356.

Submission:

Ambry Genetics
Classification: Uncertain significance for Hereditary cancer-predisposing syndrome. Last evaluated: 2019-09-26. Review status: criteria provided, single submitter. Criteria: Ambry Variant Classification Scheme 2023. Collection method: clinical testing. Allele origin: germline.
Comment: The p.Q126H variant (also known as c.378A>T), located in coding exon 5 of the BRCA1 gene, results from an A to T substitution at nucleotide position 378. The glutamine at codon 126 is replaced by histidine, an amino acid with highly similar properties. This amino acid position is highly conserved in available vertebrate species. In addition, this alteration is predicted to be deleterious by in silico analysis. Since supporting evidence is limited at this time, the clinical significance of this alteration remains unclear.

NM_007294.4(BRCA1):c.378A>T (p.Gln126His)

Gene: BRCA1 (BRCA1 DNA repair associated; minus strand). Cytogenetic location: 17q21.31.
Variant type: single nucleotide variant.
Coding change: c.378A>T on transcript NM_007294.4 (MANE Select); coding-DNA position 378, A replaced by T.
Protein change: p.Gln126His; replaces glutamine 126 with histidine.
Molecular consequence: missense variant. On other transcripts: non-coding transcript variant (1).
Genome position (GRCh38, 1-based): chr17:43,104,185, T>A on the plus strand (A>T on the coding strand, the complement: BRCA1 is on the minus strand). VCF-style: chr17-43104185-T-A. GRCh37 (hg19) VCF-style: chr17-41256202-T-A.
Other names: c.168A>T, p.Gln56His (NM_001407909.1, NM_001407910.1, NM_001407915.1 and 58 more transcripts); c.378A>T, p.Gln126His (NM_001407919.1, NM_001407937.1, NM_001407938.1 and 165 more transcripts); c.237A>T, p.Gln79His (NM_001407920.1, NM_001407921.1, NM_001407922.1 and 99 more transcripts); c.-4A>T (NM_001407959.1, NM_001407960.1, NM_001407962.1 and 4 more transcripts); c.369A>T, p.Gln123His (NM_001408408.1, NM_001407646.1, NM_001407647.1); c.300A>T, p.Gln100His (NM_001408409.1, NM_001408411.1, NM_001408412.1 and 21 more transcripts); c.246A>T, p.Gln82His (NM_001408451.1); short protein forms Q79H, Q82H, Q100H, Q126H, Q56H, Q123H.
Identifiers: ClinVar variation 1734914 (VCV001734914.2), dbSNP rs786201256, ClinGen allele CA10601386.